The following is an entry in ClinVar:

NM_139318.5(KCNH5):c.2707G>T (p.Glu903Ter)

Gene: KCNH5 (potassium voltage-gated channel subfamily H member 5; minus strand). Cytogenetic location: 14q23.2.
Variant type: single nucleotide variant.
Coding change: c.2707G>T on transcript NM_139318.5 (MANE Select); coding-DNA position 2707, G replaced by T.
Protein change: p.Glu903Ter; replaces glutamic acid 903 with a stop codon.
Molecular consequence: nonsense. On other transcripts: 3 prime UTR variant (1).
Genome position (GRCh38, 1-based): chr14:62,707,768, C>A on the plus strand (G>T on the coding strand, the complement: KCNH5 is on the minus strand). VCF-style: chr14-62707768-C-A. GRCh37 (hg19) VCF-style: chr14-63174486-C-A.
Other names: c.*674G>T (NM_172375.3); short protein forms E903*.
Identifiers: ClinVar variation 2098733 (VCV002098733.4), dbSNP rs765947232, ClinGen allele CA7217199.

ClinVar aggregate classification (germline): Uncertain significance (1 of 4 stars; one submission).

Conditions:
Early-infantile DEE. Also called: Early infantile epileptic encephalopathy; Early infantile epileptic encephalopathy with suppression bursts; Ohtahara syndrome. Identifiers: Orphanet 1934, MedGen C0393706, MONDO:0800491.

Submission:

Labcorp Genetics (formerly Invitae), Labcorp
Classification: Uncertain significance for Early-infantile DEE. Last evaluated: 2022-02-18. Review status: criteria provided, single submitter. Criteria: Invitae Variant Classification Sherloc (09022015). Collection method: clinical testing. Allele origin: germline.
Comment: This sequence change creates a premature translational stop signal (p.Glu903*) in the KCNH5 gene. While this is not anticipated to result in nonsense mediated decay, it is expected to disrupt the last 86 amino acid(s) of the KCNH5 protein. This variant is present in population databases (rs765947232, gnomAD 0.0009%). This variant has not been reported in the literature in individuals affected with KCNH5-related conditions. Experimental studies and prediction algorithms are not available or were not evaluated, and the functional significance of this variant is currently unknown. In summary, the available evidence is currently insufficient to determine the role of this variant in disease. Therefore, it has been classified as a Variant of Uncertain Significance.